The following is an entry in ClinVar:

NM_017514.5(PLXNA3):c.1070A>G (p.Tyr357Cys)

Gene: PLXNA3 (plexin A3; plus strand). Cytogenetic location: Xq28.
Variant type: single nucleotide variant.
Coding change: c.1070A>G on transcript NM_017514.5 (MANE Select); coding-DNA position 1070, A replaced by G.
Protein change: p.Tyr357Cys; replaces tyrosine 357 with cysteine.
Molecular consequence: missense variant.
Genome position (GRCh38, 1-based): chrX:154,461,574, A>G. VCF-style: chrX-154461574-A-G. GRCh37 (hg19) VCF-style: chrX-153689914-A-G.
Other names: short protein forms Y357C.
Identifiers: ClinVar variation 4998307 (VCV004998307.1).

ClinVar aggregate classification (germline): Uncertain significance (1 of 4 stars; one submission).

Conditions:
PLXNA3-related disorder. Also called: PLXNA3-related condition.

Submission:

PreventionGenetics, part of Exact Sciences
Classification: Uncertain significance for PLXNA3-related condition. Last evaluated: 2025-04-24. Review status: criteria provided, single submitter. Criteria: ACMG Guidelines, 2015. Collection method: clinical testing. Allele origin: germline.
Comment: The PLXNA3 c.1070A>G variant is predicted to result in the amino acid substitution p.Tyr357Cys. To our knowledge, this variant has not been reported in the literature. This variant is reported in 0.0012% of alleles in individuals of European (Non-Finnish) descent in gnomAD. At this time, the clinical significance of this variant is uncertain due to the absence of conclusive functional and genetic evidence.